The following is an entry in ClinVar:

ClinVar aggregate classification (germline): Uncertain significance (1 of 4 stars; one submission).

Allele frequency attached by ClinVar (database versions not stated): gnomAD exomes 0.00002.
gnomAD v4.1: 10 of 1,600,192 alleles (0.00062%); highest among the groups gnomAD compares: East Asian, 0.023%; no homozygotes.

Submission:

Labcorp Genetics (formerly Invitae), Labcorp
Classification: Uncertain significance. Last evaluated: 2022-10-31. Review status: criteria provided, single submitter. Criteria: Invitae Variant Classification Sherloc (09022015). Collection method: clinical testing. Allele origin: germline.
Comment: This sequence change replaces asparagine, which is neutral and polar, with histidine, which is basic and polar, at codon 643 of the BPTF protein (p.Asn643His). This variant is present in population databases (rs200204370, gnomAD 0.006%). This variant has not been reported in the literature in individuals affected with BPTF-related conditions. Algorithms developed to predict the effect of missense changes on protein structure and function (SIFT, PolyPhen-2, Align-GVGD) all suggest that this variant is likely to be tolerated. In summary, the available evidence is currently insufficient to determine the role of this variant in disease. Therefore, it has been classified as a Variant of Uncertain Significance.

NM_182641.4(BPTF):c.1864+598A>C

Gene: BPTF (bromodomain PHD finger transcription factor; plus strand). Cytogenetic location: 17q24.2.
Variant type: single nucleotide variant.
Coding change: c.1864+598A>C on transcript NM_182641.4 (MANE Select); 598 bases into the intron after coding-DNA position 1864, A replaced by C.
Molecular consequence: intron variant. On other transcripts: missense variant (1).
Genome position (GRCh38, 1-based): chr17:67,875,618, A>C. VCF-style: chr17-67875618-A-C. GRCh37 (hg19) VCF-style: chr17-65871734-A-C.
Other names: c.1927A>C, p.Asn643His (NM_004459.7); short protein forms N643H.
Identifiers: ClinVar variation 2873752 (VCV002873752.3), dbSNP rs200204370, ClinGen allele CA8725255.
Genomic context (GRCh38, chr17:67,875,618, plus strand): 5'-CCAACAGAAGTTGGGGATAAAGGTAACTCTGTGTCAGCAAATCTTGGCGACAACACAACA[A>C]ATGCAACTTCAGAAGAGACTAGTCCCTCTGAAGGGAGGAGCCCTGTGGGGTGTCTCTCAG-3'